The following is an entry in ClinVar:

ClinVar aggregate classification (germline): Pathogenic/Likely pathogenic. Review status: criteria provided, multiple submitters, no conflicts (2 of 4 stars). 3 submissions from 3 submitters: Pathogenic (1); Likely pathogenic (1). 1 of the submissions does not count toward it. Last evaluated 2023-09-22.

Conditions:
GM1 gangliosidosis type 3. Also called: GANGLIOSIDOSIS, GENERALIZED GM1, ADULT TYPE; GANGLIOSIDOSIS, GENERALIZED GM1, CHRONIC TYPE; GANGLIOSIDOSIS, GENERALIZED GM1, TYPE III; GM1-GANGLIOSIDOSIS, TYPE III; Beta-galactosidase deficiency; Adult GM1 gangliosidosis. Identifiers: Orphanet 79257, MedGen C0268273, MONDO:0009262, OMIM 230650.
GM1 gangliosidosis type 2. Also called: GANGLIOSIDOSIS, GENERALIZED GM1, JUVENILE TYPE; GANGLIOSIDOSIS, GENERALIZED GM1, TYPE II; GM1-GANGLIOSIDOSIS, TYPE II; Juvenile GM>1< gangliosidosis; Gangliosidosis, Generalized GM1, Type 2. Identifiers: Orphanet 354, Orphanet 79256, MedGen C0268272, MONDO:0009261, OMIM 230600.
Infantile GM1 gangliosidosis. Also called: GM1 gangliosidosis type 1; GM1-gangliosidosis, type I; Gangliosidosis, generalized GM1, infantile form; GLB1 deficiency; Gangliosidosis, Generalized GM1, Type 1. Identifiers: Orphanet 354, Orphanet 79255, MedGen C0268271, MONDO:0009260, OMIM 230500.
Mucopolysaccharidosis, MPS-IV-B (MPS4B). Also called: Mucopolysaccharidosis type 4B; Mucopolysaccharidosis Type IVB (Morquio B Disease); MORQUIO SYNDROME B; Mucopolysaccharidosis type IVB (Morquio); MPS IVB; Mucopolysaccharidosis type IV B. Identifiers: Orphanet 309310, Orphanet 582, MedGen C0086652, MONDO:0009660, OMIM 253010.
GM1 gangliosidosis. Identifiers: Orphanet 354, MedGen C0085131, MONDO:0018149.

Allele frequency attached by ClinVar (database versions not stated): gnomAD exomes below 0.00001; TOPMed below 0.00001.
gnomAD v4.1: 2 of 1,613,448 alleles (0.00012%); highest among the groups gnomAD compares: South Asian, 0.0022%; no homozygotes.

Submissions (3):

Women's Health and Genetics/Laboratory Corporation of America, LabCorp
Classification: Likely pathogenic for Mucopolysaccharidosis, MPS-IV-B. Last evaluated: 2023-09-22. Review status: criteria provided, single submitter. Criteria: LabCorp Variant Classification Summary - May 2015. Collection method: clinical testing. Allele origin: germline.
Comment: Variant summary: GLB1 c.1144-2A>G is located in a canonical splice-site and is predicted to affect mRNA splicing resulting in a significantly altered protein due to either exon skipping, shortening, or inclusion of intronic material. Several computational tools predict a significant impact on normal splicing: Four predict the variant abolishes a 3' acceptor site. Three predict the variant creates a 3' acceptor site. One predict the variant strengthens a 3' acceptor site. However, these predictions have yet to be confirmed by functional studies. The variant was absent in 247058 control chromosomes. c.1144-2A>G has been reported in the literature in individuals affected with Skeletal dysplasia (Uttarilli_2019). These data indicate that the variant may be associated with disease. To our knowledge, no experimental evidence demonstrating an impact on protein function has been reported. The following publication have been ascertained in the context of this evaluation (PMID: 30408610). Two submitters have cited clinical-significance assessments for this variant to ClinVar after 2014. All submitters classified the variant as pathogenic/likely pathogenic. Based on the evidence outlined above, the variant was classified as likely pathogenic.

Labcorp Genetics (formerly Invitae), Labcorp
Classification: Pathogenic for Mucopolysaccharidosis, MPS-IV-B; GM1 gangliosidosis. Last evaluated: 2020-01-17. Review status: criteria provided, single submitter. Criteria: Invitae Variant Classification Sherloc (09022015). Collection method: clinical testing. Allele origin: germline.
Comment: Algorithms developed to predict the effect of sequence changes on RNA splicing suggest that this variant may disrupt the consensus splice site, but this prediction has not been confirmed by published transcriptional studies. This sequence change affects an acceptor splice site in intron 11 of the GLB1 gene. It is expected to disrupt RNA splicing and likely results in an absent or disrupted protein product. This variant is not present in population databases (ExAC no frequency). This variant has been observed in individual(s) with GM1 gangliosidosis (Invitae). In at least one individual the data is consistent with the variant being in trans (on the opposite chromosome) from a pathogenic variant. ClinVar contains an entry for this variant (Variation ID: 557226). Donor and acceptor splice site variants typically lead to a loss of protein function (PMID: 16199547), and loss-of-function variants in GLB1 are known to be pathogenic (PMID: 18524657). For these reasons, this variant has been classified as Pathogenic.

Counsyl
Classification: Likely pathogenic for Infantile GM1 gangliosidosis; GM1 gangliosidosis type 2; GM1 gangliosidosis type 3; Mucopolysaccharidosis, MPS-IV-B. Last evaluated: 2018-03-13. Review status: no assertion criteria provided. Collection method: clinical testing. Allele origin: unknown. Not counted in ClinVar's aggregate classification.

Literature cited by the submitters: PubMed 30408610 (cited by Women's Health and Genetics/Laboratory Corporation of America, LabCorp); PubMed 16199547 (cited by Labcorp Genetics (formerly Invitae), Labcorp); PubMed 18524657 (cited by Labcorp Genetics (formerly Invitae), Labcorp).

NM_000404.4(GLB1):c.1144-2A>G

Gene: GLB1 (galactosidase beta 1; minus strand). Cytogenetic location: 3p22.3.
Variant type: single nucleotide variant.
Coding change: c.1144-2A>G on transcript NM_000404.4 (MANE Select); the canonical splice acceptor site of the intron before coding-DNA position 1144, A replaced by G.
Molecular consequence: splice acceptor variant.
Genome position (GRCh38, 1-based): chr3:33,021,657, T>C on the plus strand (A>G on the coding strand, the complement: GLB1 is on the minus strand). VCF-style: chr3-33021657-T-C. GRCh37 (hg19) VCF-style: chr3-33063149-T-C.
Other names: c.1144-2A>G (NM_001393580.1, NM_000404.3); c.751-2A>G (NM_001135602.3); c.1288-2A>G (NM_001317040.2); c.1054-2A>G (NM_001079811.3).
Identifiers: ClinVar variation 557226 (VCV000557226.10), dbSNP rs1553607014, ClinGen allele CA351993514.